The following is an entry in ClinVar:

ClinVar aggregate classification (germline): Uncertain significance (1 of 4 stars; one submission).

Submission:

Labcorp Genetics (formerly Invitae), Labcorp
Classification: Uncertain significance. Last evaluated: 2022-03-16. Review status: criteria provided, single submitter. Criteria: Invitae Variant Classification Sherloc (09022015). Collection method: clinical testing. Allele origin: germline.
Comment: In summary, the available evidence is currently insufficient to determine the role of this variant in disease. Therefore, it has been classified as a Variant of Uncertain Significance. Algorithms developed to predict the effect of missense changes on protein structure and function are either unavailable or do not agree on the potential impact of this missense change (SIFT: "Tolerated"; PolyPhen-2: "Probably Damaging"; Align-GVGD: "Class C0"). This variant has not been reported in the literature in individuals affected with IFT43-related conditions. This variant is not present in population databases (gnomAD no frequency). This sequence change replaces aspartic acid, which is acidic and polar, with glutamic acid, which is acidic and polar, at codon 110 of the IFT43 protein (p.Asp110Glu).

NM_001102564.3(IFT43):c.315T>A (p.Asp105Glu)

Gene: IFT43 (intraflagellar transport 43; plus strand). Cytogenetic location: 14q24.3.
Variant type: single nucleotide variant.
Coding change: c.315T>A on transcript NM_001102564.3 (MANE Select); coding-DNA position 315, T replaced by A.
Protein change: p.Asp105Glu; replaces aspartic acid 105 with glutamic acid.
Molecular consequence: missense variant. On other transcripts: non-coding transcript variant (2).
Genome position (GRCh38, 1-based): chr14:76,082,314, T>A. VCF-style: chr14-76082314-T-A. GRCh37 (hg19) VCF-style: chr14-76548657-T-A.
Other names: c.330T>A, p.Asp110Glu (NM_052873.3); short protein forms D110E, D105E.
Identifiers: ClinVar variation 2105047 (VCV002105047.4), dbSNP rs59175852, ClinGen allele CA390473838.